The following is an entry in ClinVar:

NM_004928.3(CFAP410):c.642+62CCGTGGGGAGGGAGCATGGAGCCTCACAGGGCC[3]

Gene: CFAP410 (cilia and flagella associated protein 410; minus strand). Cytogenetic location: 21q22.3.
Variant type: Microsatellite.
Coding change: c.642+62CCGTGGGGAGGGAGCATGGAGCCTCACAGGGCC[3] on transcript NM_004928.3 (MANE Select); three copies in a row of the 33-base unit CCGTGGGGAGGGAGCATGGAGCCTCACAGGGCC starting at c.642+62; the reference has two copies in a row; one copy, 33 bases duplicated.
Molecular consequence: intron variant. On other transcripts: inframe insertion (1).
Genome position (GRCh38, 1-based): chr21:44,330,696-44,330,728, 33 bases duplicated; duplicating any 33 consecutive bases within chr21:44,330,696-44,330,761 gives the same sequence; the position shown is the placement nearest the transcript's 3' end. GRCh37 (hg19), VCF-style position (the base before the change): chr21:45,750,578.
Other names: c.701CCGTGGGGAGGGAGCATGGAGCCTCACAGGGCC[3], p.Gly255_Leu256insProValGlyArgGluHisGlyAlaSerGlnGly (NM_001271441.2); c.639+62CCGTGGGGAGGGAGCATGGAGCCTCACAGGGCC[3] (NM_001271440.2); c.516+62CCGTGGGGAGGGAGCATGGAGCCTCACAGGGCC[3] (NM_001271442.1).
Identifiers: ClinVar variation 4978653 (VCV004978653.1).

ClinVar aggregate classification (germline): Uncertain significance (1 of 4 stars; one submission).

Conditions:
CFAP410-related disorder. Also called: CFAP410-related condition.

Submission:

PreventionGenetics, part of Exact Sciences
Classification: Uncertain significance for CFAP410-related condition. Last evaluated: 2026-07-31. Review status: criteria provided, single submitter. Criteria: ACMG Guidelines, 2015. Collection method: clinical testing. Allele origin: germline.
Comment: The CFAP410 c.734_766dup33 variant is predicted to result in an in-frame duplication (p.Pro245_Gly255dup). To our knowledge, this variant has not been reported in the literature. This variant is reported in 0.064% of alleles in individuals of African descent in gnomAD. At this time, the clinical significance of this variant is uncertain due to the absence of conclusive functional and genetic evidence.